The following is an entry in ClinVar:

NM_021971.4(GMPPB):c.271G>A (p.Ala91Thr)

Gene: GMPPB (GDP-mannose pyrophosphorylase B; minus strand). Cytogenetic location: 3p21.31.
Variant type: single nucleotide variant.
Coding change: c.271G>A on transcript NM_021971.4 (MANE Select); coding-DNA position 271, G replaced by A.
Protein change: p.Ala91Thr; replaces alanine 91 with threonine.
Molecular consequence: missense variant.
Genome position (GRCh38, 1-based): chr3:49,723,103, C>T on the plus strand (G>A on the coding strand, the complement: GMPPB is on the minus strand). VCF-style: chr3-49723103-C-T. GRCh37 (hg19) VCF-style: chr3-49760536-C-T.
Other names: c.271G>A, p.Ala91Thr (NM_013334.4); short protein forms A91T.
Identifiers: ClinVar variation 1714775 (VCV001714775.6), dbSNP rs2544756292, ClinGen allele CA352829950.

ClinVar aggregate classification (germline): Uncertain significance (1 of 4 stars; one submission).

Conditions:
Autosomal recessive limb-girdle muscular dystrophy type 2T. Also called: MUSCULAR DYSTROPHY-DYSTROGLYCANOPATHY, LIMB-GIRDLE, GMPPB-RELATED; MUSCULAR DYSTROPHY, LIMB-GIRDLE, TYPE 2T; Limb-girdle muscular dystrophy-dystroglycanopathy, type C14; Muscular dystrophy-dystroglycanopathy (limb-girdle), type c, 14. Identifiers: Orphanet 363623, MedGen C4518000, MONDO:0014142, OMIM 615352.
Muscular dystrophy-dystroglycanopathy (congenital with impaired intellectual development), type B, 14. Also called: Muscular dystrophy-dystroglycanopathy (congenital with intellectual disability), type B14; MUSCULAR DYSTROPHY, CONGENITAL, GMPPB-RELATED; Congenital muscular dystrophy-dystroglycanopathy with mental retardation, type B14. Identifiers: MedGen C3809221, MONDO:0014141, OMIM 615351.
Muscular dystrophy-dystroglycanopathy (congenital with brain and eye anomalies), type A14. Also called: WALKER-WARBURG SYNDROME OR MUSCLE-EYE-BRAIN DISEASE, GMPPB-RELATED; Congenital Muscular Dystrophy-Dystroglycanopathy with Brain and Eye Anomalies Type A 14; Congenital muscular dystrophy-dystroglycanopathy with brain and eye anomalies, type A14; Muscular dystrophy-dystroglycanopathy (congenital with brain and eye anomalies), type a, 14. Identifiers: Orphanet 588, MedGen C3809216, MONDO:0014140, OMIM 615350.

Submission:

Labcorp Genetics (formerly Invitae), Labcorp
Classification: Uncertain significance for Autosomal recessive limb-girdle muscular dystrophy type 2T; Muscular dystrophy-dystroglycanopathy (congenital with brain and eye anomalies), type A14; Muscular dystrophy-dystroglycanopathy (congenital with impaired intellectual development), type B, 14. Last evaluated: 2022-08-02. Review status: criteria provided, single submitter. Criteria: Invitae Variant Classification Sherloc (09022015). Collection method: clinical testing. Allele origin: germline.
Comment: This variant has not been reported in the literature in individuals affected with GMPPB-related conditions. Algorithms developed to predict the effect of missense changes on protein structure and function are either unavailable or do not agree on the potential impact of this missense change (SIFT: "Tolerated"; PolyPhen-2: "Probably Damaging"; Align-GVGD: "Class C0"). In summary, the available evidence is currently insufficient to determine the role of this variant in disease. Therefore, it has been classified as a Variant of Uncertain Significance. This sequence change replaces alanine, which is neutral and non-polar, with threonine, which is neutral and polar, at codon 91 of the GMPPB protein (p.Ala91Thr). This variant is not present in population databases (gnomAD no frequency).